The following is an entry in ClinVar:

NM_012123.4(MTO1):c.111C>T (p.Phe37=)

Gene: MTO1 (mitochondrial tRNA translation optimization 1; plus strand). Cytogenetic location: 6q13.
Variant type: single nucleotide variant.
Coding change: c.111C>T on transcript NM_012123.4 (MANE Select); coding-DNA position 111, C replaced by T.
Protein change: p.Phe37=; no amino-acid change (phenylalanine 37 retained).
Molecular consequence: synonymous variant.
Genome position (GRCh38, 1-based): chr6:73,461,965, C>T. VCF-style: chr6-73461965-C-T. GRCh37 (hg19) VCF-style: chr6-74171688-C-T.
Other names: p.Phe37=; c.111C>T, p.Phe37= (NM_001123226.2, NM_133645.3).
Identifiers: ClinVar variation 2044041 (VCV002044041.5), dbSNP rs375783962, ClinGen allele CA140948682.

ClinVar aggregate classification (germline): Likely benign. Review status: criteria provided, multiple submitters, no conflicts (2 of 4 stars). 2 submissions from 2 submitters: Likely benign (2). Last evaluated 2025-11-22.

Conditions:
Mitochondrial hypertrophic cardiomyopathy with lactic acidosis due to MTO1 deficiency. Also called: CARDIOMYOPATHY, INFANTILE HYPERTROPHIC MITOCHONDRIAL, AND LACTIC ACIDOSIS; Combined oxidative phosphorylation deficiency 10. Identifiers: Orphanet 314637, MedGen C4749921, MONDO:0013865, OMIM 614702.

gnomAD v4.1: 37 of 1,614,246 alleles (0.0023%); highest among the groups gnomAD compares: Non-Finnish European, 0.003%; no homozygotes.

Submissions (2):

Mayo Clinic Laboratories, Mayo Clinic
Classification: Likely benign. Last evaluated: 2025-11-22. Review status: criteria provided, single submitter. Criteria: ACMG Guidelines, 2015. Collection method: clinical testing. Allele origin: germline. Observed: 1 variant allele.
Comment: BP4, BP7

Labcorp Genetics (formerly Invitae), Labcorp
Classification: Likely benign for Mitochondrial hypertrophic cardiomyopathy with lactic acidosis due to MTO1 deficiency. Last evaluated: 2025-07-20. Review status: criteria provided, single submitter. Criteria: Invitae Variant Classification Sherloc (09022015). Collection method: clinical testing. Allele origin: germline.